The following is an entry in ClinVar:

ClinVar aggregate classification (germline): Conflicting classifications of pathogenicity. Review status: criteria provided, conflicting classifications (1 of 4 stars). 3 submissions from 3 submitters: Uncertain significance (2); Likely benign (1). Last evaluated 2025-06-22.

Conditions:
Bethlem myopathy 1A. Also called: Bethlem Muscular Dystrophy; MYOPATHY, BENIGN CONGENITAL, WITH CONTRACTURES; Bethlem myopathy 1. Identifiers: Orphanet 610, MedGen CN029274, MONDO:0024530, OMIM 158810.

Allele frequency attached by ClinVar (database versions not stated): TOPMed 0.00002; gnomAD 0.00003 and 0.00005; ExAC 0.00004; gnomAD exomes 0.00006 and 0.00008.

Submissions (3):

Labcorp Genetics (formerly Invitae), Labcorp
Classification: Likely benign for Bethlem myopathy 1A. Last evaluated: 2025-06-22. Review status: criteria provided, single submitter. Criteria: Invitae Variant Classification Sherloc (09022015). Collection method: clinical testing. Allele origin: germline.

GeneDx
Classification: Uncertain significance. Last evaluated: 2022-10-04. Review status: criteria provided, single submitter. Criteria: GeneDx Variant Classification Process June 2021. Collection method: clinical testing. Allele origin: germline. Affected: yes.
Comment: In silico analysis supports that this missense variant has a deleterious effect on protein structure/function; Has not been previously published as pathogenic or benign to our knowledge

Revvity Omics, Revvity
Classification: Uncertain significance. Last evaluated: 2020-07-21. Review status: criteria provided, single submitter. Criteria: ACMG Guidelines, 2015. Collection method: clinical testing. Allele origin: germline.

NM_001848.3(COL6A1):c.3043G>A (p.Gly1015Ser)

Gene: COL6A1 (collagen type VI alpha 1 chain; plus strand). Cytogenetic location: 21q22.3.
Variant type: single nucleotide variant.
Coding change: c.3043G>A on transcript NM_001848.3 (MANE Select); coding-DNA position 3043, G replaced by A.
Protein change: p.Gly1015Ser; replaces glycine 1015 with serine.
Molecular consequence: missense variant.
Genome position (GRCh38, 1-based): chr21:46,003,969, G>A. VCF-style: chr21-46003969-G-A. GRCh37 (hg19) VCF-style: chr21-47423883-G-A.
Other names: short protein forms G1015S.
Identifiers: ClinVar variation 936239 (VCV000936239.14), dbSNP rs763470078, ClinGen allele CA10071118.